The following is an entry in ClinVar:

NM_000235.4(LIPA):c.429-2A>T

Gene: LIPA (lipase A, lysosomal acid type; minus strand). Cytogenetic location: 10q23.31.
Variant type: single nucleotide variant.
Coding change: c.429-2A>T on transcript NM_000235.4 (MANE Select); the canonical splice acceptor site of the intron before coding-DNA position 429, A replaced by T.
Molecular consequence: splice acceptor variant. On other transcripts: missense variant (1).
Genome position (GRCh38, 1-based): chr10:89,227,006, T>A on the plus strand (A>T on the coding strand, the complement: LIPA is on the minus strand). VCF-style: chr10-89227006-T-A. GRCh37 (hg19) VCF-style: chr10-90986763-T-A.
Other names: c.448A>T, p.Ser150Cys (NM_001440837.1); c.261-2A>T (NM_001440839.1); c.429-2A>T (NM_001440819.1, NM_001440821.1, NM_001440824.1 and 16 more transcripts); c.444-2A>T (NM_001440838.1); c.561-2A>T (NM_001440836.1); c.81-2A>T (NM_001288979.2); short protein forms S150C.
Identifiers: ClinVar variation 4817957 (VCV004817957.1).

ClinVar aggregate classification (germline): Likely pathogenic (1 of 4 stars; one submission).

Conditions:
Lysosomal acid lipase deficiency. Also called: Acid cholesteryl ester hydrolase deficiency, type 2. Identifiers: Orphanet 275761, MedGen C5574740, MONDO:0800449, MONDO:0010204.

Submission:

Natera, Inc.
Classification: Likely pathogenic for Lysosomal acid lipase deficiency. Last evaluated: 2024-11-21. Review status: criteria provided, single submitter. Criteria: Natera Variant Classification Schema (03/2026). Collection method: clinical testing. Allele origin: germline.
Comment: The c.429-2A>T variant in LIPA is a canonical splice acceptor site variant predicted to affect pre-mRNA splicing, which may result in an abnormal transcript and altered protein product. This variant is expected to result in nonsense mediated decay, truncation, or a dysfunctional protein product. This variant is rare in the general population with a frequency below the threshold expected for the associated phenotype(s). Given the available evidence, this variant is classified as Likely Pathogenic.